The following is an entry in ClinVar:

ClinVar aggregate classification (germline): Uncertain significance (1 of 4 stars; one submission).

Conditions:
Early Myoclonic Encephalopathy. Identifiers: MedGen C0270855.

Allele frequency attached by ClinVar (database versions not stated): ExAC 0.00001; gnomAD exomes 0.00001.
gnomAD v4.1: 7 of 1,614,046 alleles (0.00043%); highest among the groups gnomAD compares: Admixed American, 0.0017%; no homozygotes.

Submission:

Labcorp Genetics (formerly Invitae), Labcorp
Classification: Uncertain significance for Early Myoclonic Encephalopathy. Last evaluated: 2023-04-28. Review status: criteria provided, single submitter. Criteria: Invitae Variant Classification Sherloc (09022015). Collection method: clinical testing. Allele origin: germline.
Comment: This sequence change replaces glycine, which is neutral and non-polar, with glutamic acid, which is acidic and polar, at codon 1012 of the JMJD1C protein (p.Gly1012Glu). This variant is present in population databases (rs773958030, gnomAD 0.003%). This variant has not been reported in the literature in individuals affected with JMJD1C-related conditions. Advanced modeling of protein sequence and biophysical properties (such as structural, functional, and spatial information, amino acid conservation, physicochemical variation, residue mobility, and thermodynamic stability) performed at Invitae indicates that this missense variant is not expected to disrupt JMJD1C protein function. In summary, the available evidence is currently insufficient to determine the role of this variant in disease. Therefore, it has been classified as a Variant of Uncertain Significance.

NM_032776.3(JMJD1C):c.3035G>A (p.Gly1012Glu)

Gene: JMJD1C (jumonji domain containing 1C; minus strand). Cytogenetic location: 10q21.3.
Variant type: single nucleotide variant.
Coding change: c.3035G>A on transcript NM_032776.3 (MANE Select); coding-DNA position 3035, G replaced by A.
Protein change: p.Gly1012Glu; replaces glycine 1012 with glutamic acid.
Molecular consequence: missense variant. On other transcripts: non-coding transcript variant (1).
Genome position (GRCh38, 1-based): chr10:63,208,634, C>T on the plus strand (G>A on the coding strand, the complement: JMJD1C is on the minus strand). VCF-style: chr10-63208634-C-T. GRCh37 (hg19) VCF-style: chr10-64968394-C-T.
Other names: c.2489G>A, p.Gly830Glu (NM_001282948.2, NM_001318154.2); c.2171G>A, p.Gly724Glu (NM_001318153.2); c.2921G>A, p.Gly974Glu (NM_001322252.2); c.2378G>A, p.Gly793Glu (NM_001322254.2, NM_001322258.2); short protein forms G793E, G1012E, G724E, G830E, G974E.
Identifiers: ClinVar variation 3011670 (VCV003011670.3), dbSNP rs773958030, ClinGen allele CA5518501.